The following is an entry in ClinVar:

ClinVar aggregate classification (germline): Uncertain significance. Review status: criteria provided, multiple submitters, no conflicts (2 of 4 stars). 3 submissions from 3 submitters: Uncertain significance (3). Last evaluated 2022-08-21.

Conditions:
Candidiasis, familial, 8 (CANDF8). Identifiers: Orphanet 1334, MedGen C3714992, MONDO:0014230, OMIM 615527.

Allele frequency attached by ClinVar (database versions not stated): ExAC 0.00002; gnomAD exomes 0.00002; gnomAD 0.00003; TOPMed 0.00003; ESP Exome Variant Server 0.00008.
gnomAD v4.1: 31 of 1,614,232 alleles (0.0019%); highest among the groups gnomAD compares: Middle Eastern, 0.016%; no homozygotes.

Submissions (3):

Labcorp Genetics (formerly Invitae), Labcorp
Classification: Uncertain significance for Candidiasis, familial, 8. Last evaluated: 2022-08-21. Review status: criteria provided, single submitter. Criteria: Invitae Variant Classification Sherloc (09022015). Collection method: clinical testing. Allele origin: germline.
Comment: Algorithms developed to predict the effect of missense changes on protein structure and function (SIFT, PolyPhen-2, Align-GVGD) all suggest that this variant is likely to be tolerated. In summary, the available evidence is currently insufficient to determine the role of this variant in disease. Therefore, it has been classified as a Variant of Uncertain Significance. This variant has not been reported in the literature in individuals affected with TRAF3IP2-related conditions. This variant is present in population databases (rs376682410, gnomAD 0.003%). This sequence change replaces arginine, which is basic and polar, with cysteine, which is neutral and slightly polar, at codon 84 of the TRAF3IP2 protein (p.Arg84Cys).

Ambry Genetics
Classification: Uncertain significance. Last evaluated: 2021-07-14. Review status: criteria provided, single submitter. Criteria: Ambry Variant Classification Scheme 2023. Collection method: clinical testing. Allele origin: germline.

Blueprint Genetics
Classification: Uncertain significance. Last evaluated: 2021-02-19. Review status: criteria provided, single submitter. Criteria: ACMG Guidelines, 2015. Collection method: clinical testing. Allele origin: germline.

NM_147686.4(TRAF3IP2):c.250C>T (p.Arg84Cys)

Genes: TRAF3IP2 (TRAF3 interacting protein 2; minus strand), TRAF3IP2-AS1 (TRAF3IP2 antisense RNA 1; plus strand), LOC114803478 (TRAF3IP2 eExon liver enhancer; plus strand). Cytogenetic location: 6q21.
Variant type: single nucleotide variant.
Coding change: c.250C>T on transcript NM_147686.4 (MANE Select); coding-DNA position 250, C replaced by T.
Protein change: p.Arg84Cys; replaces arginine 84 with cysteine.
Molecular consequence: missense variant.
Genome position (GRCh38, 1-based): chr6:111,591,837, G>A on the plus strand (C>T on the coding strand, the complement: TRAF3IP2 is on the minus strand). VCF-style: chr6-111591837-G-A. GRCh37 (hg19) VCF-style: chr6-111913040-G-A.
Other names: c.250C>T, p.Arg84Cys (NM_001164281.3); c.277C>T, p.Arg93Cys (NM_147200.3); short protein forms R84C, R93C.
Identifiers: ClinVar variation 2162005 (VCV002162005.4), dbSNP rs376682410, ClinGen allele CA3963358.